The following is an entry in ClinVar:

ClinVar aggregate classification (germline): Uncertain significance (1 of 4 stars; one submission).

Conditions:
Inborn genetic diseases. Identifiers: MedGen C0950123, MeSH D030342.

gnomAD v4.1: 13 of 1,575,292 alleles (0.00083%); highest among the groups gnomAD compares: African/African-American, 0.0097%; no homozygotes.

Submission:

Ambry Genetics
Classification: Uncertain significance for Inborn genetic diseases. Last evaluated: 2024-12-07. Review status: criteria provided, single submitter. Criteria: Ambry Variant Classification Scheme 2023. Collection method: clinical testing. Allele origin: germline.
Comment: The p.S18Y variant (also known as c.53C>A), located in coding exon 1 of the SH2B3 gene, results from a C to A substitution at nucleotide position 53. The serine at codon 18 is replaced by tyrosine, an amino acid with dissimilar properties. This amino acid position is conserved. In addition, this alteration is predicted to be tolerated by in silico analysis. Based on the available evidence, the clinical significance of this variant remains unclear.

NM_005475.3(SH2B3):c.53C>A (p.Ser18Tyr)

Gene: SH2B3 (SH2B adaptor protein 3; plus strand). Cytogenetic location: 12q24.12.
Variant type: single nucleotide variant.
Coding change: c.53C>A on transcript NM_005475.3 (MANE Select); coding-DNA position 53, C replaced by A.
Protein change: p.Ser18Tyr; replaces serine 18 with tyrosine.
Molecular consequence: missense variant.
Genome position (GRCh38, 1-based): chr12:111,418,198, C>A. VCF-style: chr12-111418198-C-A. GRCh37 (hg19) VCF-style: chr12-111856002-C-A.
Other names: short protein forms S18Y.
Identifiers: ClinVar variation 3440843 (VCV003440843.1).